The following is an entry in ClinVar:

ClinVar aggregate classification (germline): Uncertain significance (1 of 4 stars; one submission).

Conditions:
Facioscapulohumeral muscular dystrophy 2 (FSHD2). Also called: MUSCULAR DYSTROPHY, FACIOSCAPULOHUMERAL, TYPE 1B; FACIOSCAPULOHUMERAL MUSCULAR DYSTROPHY 2, DIGENIC; FSHD2, DIGENIC. Identifiers: Orphanet 269, MedGen C1834671, MONDO:0008031, OMIM 158901.

Submission:

Labcorp Genetics (formerly Invitae), Labcorp
Classification: Uncertain significance for Facioscapulohumeral muscular dystrophy 2. Last evaluated: 2021-11-11. Review status: criteria provided, single submitter. Criteria: Invitae Variant Classification Sherloc (09022015). Collection method: clinical testing. Allele origin: germline.
Comment: In summary, the available evidence is currently insufficient to determine the role of this variant in disease. Therefore, it has been classified as a Variant of Uncertain Significance. Experimental studies and prediction algorithms are not available or were not evaluated, and the functional significance of this variant is currently unknown. This variant has not been reported in the literature in individuals affected with SMCHD1-related conditions. This variant is a gross deletion of the genomic region encompassing exon(s) 18-19 of the SMCHD1 gene. This variant would be expected to be in-frame, preserving the integrity of the reading frame.

NC_000018.9:g.(?_2718136)_(2718452_?)del

Gene: SMCHD1 (structural maintenance of chromosomes flexible hinge domain containing 1; plus strand). Cytogenetic location: 18p11.32.
Variant type: Deletion.
Identifiers: ClinVar variation 1447782 (VCV001447782.4).